The following is an entry in ClinVar:

NM_014112.5(TRPS1):c.3659del (p.Arg1220fs)

Gene: TRPS1 (transcriptional repressor GATA binding 1; minus strand). Cytogenetic location: 8q23.3.
Variant type: Deletion.
Coding change: c.3659del on transcript NM_014112.5 (MANE Select); coding-DNA position 3659, one base deleted (G; older notation c.3659delG).
Protein change: p.Arg1220fs; shifts the reading frame from arginine 1220.
Molecular consequence: frameshift variant.
Genome position (GRCh38, 1-based): chr8:115,414,249, C deleted on the plus strand (G on the coding strand, the reverse complement: TRPS1 is on the minus strand). VCF-style (leftmost placement, unchanged base first): chr8-115414248-TC-T. GRCh37 (hg19) VCF-style: chr8-116426476-TC-T.
Other names: c.3659delG (NM_014112.5); c.3632del, p.Arg1211fs (NM_001282902.3); c.3638del, p.Arg1213fs (NM_001282903.3); c.3620del, p.Arg1207fs (NM_001330599.2); short protein forms R1207fs, R1211fs, R1213fs, R1220fs.
Identifiers: ClinVar variation 2664809 (VCV002664809.1), dbSNP rs2536580992, ClinGen allele CA2580611886.
Genomic context (GRCh38, chr8:115,414,248, plus strand): 5'-TTCATCCAGAAAGACAATGCCACAGTGCACACATTTTGTTGAAAGTTCATCTTGAGTACT[TC>T]TATCAACTTTCTCTGTTTTTACTACATTCAAGGGACCTTCATTTTTTACATTTGGTGGTG-3'

ClinVar aggregate classification (germline): Pathogenic (1 of 4 stars; one submission).

Conditions:
Trichorhinophalangeal dysplasia type I (TRPS1). Also called: TRICHORHINOPHALANGEAL SYNDROME, TYPE I; TRPS I. Identifiers: Orphanet 77258, MedGen C0432233, MONDO:0008596, OMIM 190350.

Submission:

Genetics and Molecular Pathology, SA Pathology
Classification: Pathogenic for Trichorhinophalangeal dysplasia type I. Last evaluated: 2023-07-26. Review status: criteria provided, single submitter. Criteria: ACMG Guidelines, 2015. Collection method: clinical testing. Allele origin: germline. Inheritance: Autosomal dominant inheritance. Affected: yes.
Comment: The TRPS1 c.3659del variant is classified as a PATHOGENIC variant (PVS1, PS2, PM2) This variant is a single-base pair deletion in exon 7/7 of the TRPS1 gene which results in a frameshift starting with codon Arginine 1220, changes this amino acid to a Lysine residue, and creates a premature STOP codon 22 amino acids downstream. Loss-of-function of TRPS1 is a known mechanism of disease in Trichorhinophalangeal syndrome (PVS1). This variant has not been reported in dbSNP and is absent from population databases (PM2). This variant has not been reported in ClinVar or HGMD. Clinical review is recommended.